The following is an entry in ClinVar:

NM_001291303.3(FAT4):c.8981T>G (p.Val2994Gly)

Gene: FAT4 (FAT atypical cadherin 4; plus strand). Cytogenetic location: 4q28.1.
Variant type: single nucleotide variant.
Coding change: c.8981T>G on transcript NM_001291303.3 (MANE Select); coding-DNA position 8981, T replaced by G.
Protein change: p.Val2994Gly; replaces valine 2994 with glycine.
Molecular consequence: missense variant.
Genome position (GRCh38, 1-based): chr4:125,449,991, T>G. VCF-style: chr4-125449991-T-G. GRCh37 (hg19) VCF-style: chr4-126371146-T-G.
Other names: c.8981T>G, p.Val2994Gly (NM_001291285.3); c.8975T>G, p.Val2992Gly (NM_024582.6); c.8975T>G (NM_024582.4); short protein forms V2992G, V2994G.
Identifiers: ClinVar variation 2005943 (VCV002005943.3), dbSNP rs2530900364, ClinGen allele CA358148721.

ClinVar aggregate classification (germline): Uncertain significance. Review status: criteria provided, multiple submitters, no conflicts (2 of 4 stars). 2 submissions from 2 submitters: Uncertain significance (2). Last evaluated 2024-06-17.

Conditions:
Inborn genetic diseases. Identifiers: MedGen C0950123, MeSH D030342.

Allele frequency attached by ClinVar (database versions not stated): gnomAD exomes below 0.00001.
gnomAD v4.1: 2 of 1,613,858 alleles (0.00012%); highest among the groups gnomAD compares: Non-Finnish European, 0.00017%; no homozygotes.

Submissions (2):

Ambry Genetics
Classification: Uncertain significance for Inborn genetic diseases. Last evaluated: 2024-06-17. Review status: criteria provided, single submitter. Criteria: Ambry Variant Classification Scheme 2023. Collection method: clinical testing. Allele origin: germline.

Labcorp Genetics (formerly Invitae), Labcorp
Classification: Uncertain significance. Last evaluated: 2022-06-18. Review status: criteria provided, single submitter. Criteria: Invitae Variant Classification Sherloc (09022015). Collection method: clinical testing. Allele origin: germline.
Comment: In summary, the available evidence is currently insufficient to determine the role of this variant in disease. Therefore, it has been classified as a Variant of Uncertain Significance. Advanced modeling of protein sequence and biophysical properties (such as structural, functional, and spatial information, amino acid conservation, physicochemical variation, residue mobility, and thermodynamic stability) performed at Invitae indicates that this missense variant is expected to disrupt FAT4 protein function. This variant has not been reported in the literature in individuals affected with FAT4-related conditions. This variant is not present in population databases (gnomAD no frequency). This sequence change replaces valine, which is neutral and non-polar, with glycine, which is neutral and non-polar, at codon 2992 of the FAT4 protein (p.Val2992Gly).